The following is an entry in ClinVar:

ClinVar aggregate classification (germline): Uncertain significance (1 of 4 stars; one submission).

gnomAD v4.1: 24 of 1,614,020 alleles (0.0015%); highest among the groups gnomAD compares: Admixed American, 0.017%; no homozygotes.

Submission:

Women's Health and Genetics/Laboratory Corporation of America, LabCorp
Classification: Uncertain significance. Last evaluated: 2024-11-12. Review status: criteria provided, single submitter. Criteria: LabCorp Variant Classification Summary - May 2015. Collection method: clinical testing. Allele origin: germline.
Comment: Variant summary: EVC c.1360C>T (p.His454Tyr) results in a conservative amino acid change in the encoded protein sequence. Four of five in-silico tools predict a benign effect of the variant on protein function. The variant allele was found at a frequency of 1.6e-05 in 251472 control chromosomes. The available data on variant occurrences in the general population are insufficient to allow any conclusion about variant significance. To our knowledge, no occurrence of c.1360C>T in individuals affected with Ellis-van Creveld syndrome and no experimental evidence demonstrating its impact on protein function have been reported. No submitters have cited clinical-significance assessments for this variant to ClinVar. Based on the evidence outlined above, the variant was classified as uncertain significance.

NM_153717.3(EVC):c.1360C>T (p.His454Tyr)

Gene: EVC (EvC ciliary complex subunit 1; plus strand). Cytogenetic location: 4p16.2.
Variant type: single nucleotide variant.
Coding change: c.1360C>T on transcript NM_153717.3 (MANE Select); coding-DNA position 1360, C replaced by T.
Protein change: p.His454Tyr; replaces histidine 454 with tyrosine.
Molecular consequence: missense variant.
Genome position (GRCh38, 1-based): chr4:5,753,829, C>T. VCF-style: chr4-5753829-C-T. GRCh37 (hg19) VCF-style: chr4-5755556-C-T.
Other names: c.1360C>T, p.His454Tyr (NM_001306090.2, NM_001306092.2); short protein forms H454Y.
Identifiers: ClinVar variation 3629687 (VCV003629687.1).
Genomic context (GRCh38, chr4:5,753,829, plus strand): 5'-CTTTTTTCAATCCCAGAGTTTGTCCAGCGAGGCAAAGACCTGGTCACGGCGTCTCTGGCT[C>T]ACCAGGTGGAGGGAACGGCAAAACTCACGCTGGCCCAAGAGGAGGAACAGAGAAGCTTCC-3'
Protein context (NP_714928.1, residues 444-464): GKDLVTASLA[His454Tyr]QVEGTAKLTL